The following is an entry in ClinVar:

NM_002485.5(NBN):c.1264G>A (p.Ala422Thr)

Gene: NBN (nibrin; minus strand). Cytogenetic location: 8q21.3.
Variant type: single nucleotide variant.
Coding change: c.1264G>A on transcript NM_002485.5 (MANE Select); coding-DNA position 1264, G replaced by A.
Protein change: p.Ala422Thr; replaces alanine 422 with threonine.
Molecular consequence: missense variant.
Genome position (GRCh38, 1-based): chr8:89,955,416, C>T on the plus strand (G>A on the coding strand, the complement: NBN is on the minus strand). VCF-style: chr8-89955416-C-T. GRCh37 (hg19) VCF-style: chr8-90967644-C-T.
Other names: c.1018G>A, p.Ala340Thr (NM_001024688.3); short protein forms A340T, A422T.
Identifiers: ClinVar variation 1465465 (VCV001465465.8), dbSNP rs1336243918, ClinGen allele CA371656243.
Genomic context (GRCh38, chr8:89,955,416, plus strand): 5'-TTTTATTTATACTTGGCAATTTAGTTGGTGAAAGCTGATAGTTTGGGATTCTCATCTTAG[C>T]CAAAGTATTTGATACCATACTATTATTATTAGAGCTTGTTTTGCAGGACTCCTTTACAGT-3'
Protein context (NP_002476.2, residues 412-432): NNNSMVSNTL[Ala422Thr]KMRIPNYQLS

ClinVar aggregate classification (germline): Uncertain significance (1 of 4 stars; one submission).

Conditions:
Microcephaly, normal intelligence and immunodeficiency (NBS). Also called: BERLIN BREAKAGE SYNDROME; Immunodeficiency, microcephaly with normal intelligence; Nijmegen breakage syndrome; Microcephaly with normal intelligence immunodeficiency and lymphoreticular malignancies; Nonsyndromal microcephaly autosomal recessive with normal intelligence; Seemanova syndrome 2. Identifiers: Orphanet 647, MedGen C0398791, MONDO:0009623, OMIM 251260.

Submission:

Labcorp Genetics (formerly Invitae), Labcorp
Classification: Uncertain significance for Microcephaly, normal intelligence and immunodeficiency. Last evaluated: 2024-07-15. Review status: criteria provided, single submitter. Criteria: Invitae Variant Classification Sherloc (09022015). Collection method: clinical testing. Allele origin: germline.
Comment: This sequence change replaces alanine, which is neutral and non-polar, with threonine, which is neutral and polar, at codon 422 of the NBN protein (p.Ala422Thr). This variant is not present in population databases (gnomAD no frequency). This variant has not been reported in the literature in individuals affected with NBN-related conditions. ClinVar contains an entry for this variant (Variation ID: 1465465). An algorithm developed to predict the effect of missense changes on protein structure and function outputs the following: PolyPhen-2: "Benign". The threonine amino acid residue is found in multiple mammalian species, which suggests that this missense change does not adversely affect protein function. In summary, the available evidence is currently insufficient to determine the role of this variant in disease. Therefore, it has been classified as a Variant of Uncertain Significance.